The following is an entry in ClinVar:

ClinVar aggregate classification (germline): Pathogenic (1 of 4 stars; one submission).

Conditions:
Alstrom syndrome (ALMS). Identifiers: Orphanet 64, MedGen C0268425, MONDO:0008763, OMIM 203800.

Submission:

Labcorp Genetics (formerly Invitae), Labcorp
Classification: Pathogenic for Alstrom syndrome. Last evaluated: 2023-04-06. Review status: criteria provided, single submitter. Criteria: Invitae Variant Classification Sherloc (09022015). Collection method: clinical testing. Allele origin: germline.
Comment: For these reasons, this variant has been classified as Pathogenic. This variant has not been reported in the literature in individuals affected with ALMS1-related conditions. This variant is not present in population databases (gnomAD no frequency). This sequence change creates a premature translational stop signal (p.Thr3734Ilefs*34) in the ALMS1 gene. It is expected to result in an absent or disrupted protein product. Loss-of-function variants in ALMS1 are known to be pathogenic (PMID: 17594715).

Literature cited by the submitters: PubMed 17594715.

NM_001378454.1(ALMS1):c.11198del (p.Thr3733fs)

Gene: ALMS1 (ALMS1 centrosome and basal body associated protein; plus strand). Cytogenetic location: 2p13.1.
Variant type: Deletion.
Coding change: c.11198del on transcript NM_001378454.1 (MANE Select); coding-DNA position 11198, one base deleted (C; older notation c.11198delC).
Protein change: p.Thr3733fs; shifts the reading frame from threonine 3733.
Molecular consequence: frameshift variant.
Genome position (GRCh38, 1-based): chr2:73,573,075, C deleted. VCF-style (leftmost placement, unchanged base first): chr2-73573074-AC-A. GRCh37 (hg19) VCF-style: chr2-73800201-AC-A.
Other names: c.11201del, p.Thr3734fs (NM_015120.4); short protein forms T3733fs, T3734fs.
Identifiers: ClinVar variation 2846672 (VCV002846672.3), dbSNP rs2466446440, ClinGen allele CA2739271099.